The following is an entry in ClinVar:

ClinVar aggregate classification (germline): Uncertain significance (1 of 4 stars; one submission).

Conditions:
Hereditary spastic paraplegia 39 (SPG39). Also called: SPASTIC PARAPLEGIA 39, AUTOSOMAL RECESSIVE; Spastic Paraplegia Type 39 (SPG39). Identifiers: Orphanet 139480, MedGen C2677586, MONDO:0012787, OMIM 612020.

Allele frequency attached by ClinVar (database versions not stated): gnomAD exomes 0.00001; TOPMed 0.00001; gnomAD 0.00002.
gnomAD v4.1: 18 of 1,546,522 alleles (0.0012%); highest among the groups gnomAD compares: Non-Finnish European, 0.0015%; no homozygotes.

Submission:

Labcorp Genetics (formerly Invitae), Labcorp
Classification: Uncertain significance for Hereditary spastic paraplegia 39. Last evaluated: 2025-09-02. Review status: criteria provided, single submitter. Criteria: Invitae Variant Classification Sherloc (09022015). Collection method: clinical testing. Allele origin: germline.
Comment: This sequence change replaces proline, which is neutral and non-polar, with arginine, which is basic and polar, at codon 659 of the PNPLA6 protein (p.Pro659Arg). This variant is not present in population databases (gnomAD no frequency). This variant has not been reported in the literature in individuals affected with PNPLA6-related conditions. ClinVar contains an entry for this variant (Variation ID: 1475365). Invitae Evidence Modeling of protein sequence and biophysical properties (such as structural, functional, and spatial information, amino acid conservation, physicochemical variation, residue mobility, and thermodynamic stability) indicates that this missense variant is not expected to disrupt PNPLA6 protein function with a negative predictive value of 80%. In summary, the available evidence is currently insufficient to determine the role of this variant in disease. Therefore, it has been classified as a Variant of Uncertain Significance.

NM_001166114.2(PNPLA6):c.2093C>G (p.Pro698Arg)

Gene: PNPLA6 (patatin like domain 6, lysophospholipase; plus strand). Cytogenetic location: 19p13.2.
Variant type: single nucleotide variant.
Coding change: c.2093C>G on transcript NM_001166114.2 (MANE Select); coding-DNA position 2093, C replaced by G.
Protein change: p.Pro698Arg; replaces proline 698 with arginine.
Molecular consequence: missense variant.
Genome position (GRCh38, 1-based): chr19:7,551,016, C>G. VCF-style: chr19-7551016-C-G. GRCh37 (hg19) VCF-style: chr19-7615902-C-G.
Other names: c.2120C>G, p.Pro707Arg (NM_001166111.2); c.1898C>G, p.Pro633Arg (NM_001166112.2); c.1976C>G, p.Pro659Arg (NM_001166113.1, NM_006702.5); short protein forms P633R, P659R, P698R, P707R.
Identifiers: ClinVar variation 1475365 (VCV001475365.6), dbSNP rs2023619514, ClinGen allele CA403124273.
Genomic context (GRCh38, chr19:7,551,016, plus strand): 5'-CCACCCAAGCAGCCCCAATCATGCACGCGGCCCCCCAGGTGGAGGCACTGACCCGGCAGC[C>G]GCGAGCCACGACGGTGCACGCGGTGCGCGACACGGAGCTGGCCAAGCTTCCCGAGGGCAC-3'
Protein context (NP_001159586.1, residues 688-708): IGVVEALTRQ[Pro698Arg]RATTVHAVRD